The following is an entry in ClinVar:

ClinVar aggregate classification (germline): Uncertain significance (1 of 4 stars; one submission).

Conditions:
Disseminated atypical mycobacterial infection. Identifiers: MedGen C0694566.

Submission:

Labcorp Genetics (formerly Invitae), Labcorp
Classification: Uncertain significance for Disseminated atypical mycobacterial infection. Last evaluated: 2024-04-22. Review status: criteria provided, single submitter. Criteria: Invitae Variant Classification Sherloc (09022015). Collection method: clinical testing. Allele origin: germline.
Comment: This sequence change replaces histidine, which is basic and polar, with leucine, which is neutral and non-polar, at codon 345 of the IFNGR1 protein (p.His345Leu). This variant is not present in population databases (gnomAD no frequency). This variant has not been reported in the literature in individuals affected with IFNGR1-related conditions. Advanced modeling of protein sequence and biophysical properties (such as structural, functional, and spatial information, amino acid conservation, physicochemical variation, residue mobility, and thermodynamic stability) performed at Invitae indicates that this missense variant is not expected to disrupt IFNGR1 protein function with a negative predictive value of 80%. In summary, the available evidence is currently insufficient to determine the role of this variant in disease. Therefore, it has been classified as a Variant of Uncertain Significance.

NM_000416.3(IFNGR1):c.1034A>T (p.His345Leu)

Gene: IFNGR1 (interferon gamma receptor 1; minus strand). Cytogenetic location: 6q23.3.
Variant type: single nucleotide variant.
Coding change: c.1034A>T on transcript NM_000416.3 (MANE Select); coding-DNA position 1034, A replaced by T.
Protein change: p.His345Leu; replaces histidine 345 with leucine.
Molecular consequence: missense variant.
Genome position (GRCh38, 1-based): chr6:137,198,467, T>A on the plus strand (A>T on the coding strand, the complement: IFNGR1 is on the minus strand). VCF-style: chr6-137198467-T-A. GRCh37 (hg19) VCF-style: chr6-137519604-T-A.
Other names: c.1004A>T, p.His335Leu (NM_001363526.1); c.911A>T, p.His304Leu (NM_001363527.1); short protein forms H304L, H335L, H345L.
Identifiers: ClinVar variation 3650615 (VCV003650615.2).